The following is an entry in ClinVar:

ClinVar aggregate classification (germline): Conflicting classifications of pathogenicity. Review status: criteria provided, conflicting classifications (1 of 4 stars). 7 submissions from 7 submitters: Uncertain significance (1); Benign (2); Likely benign (4). Last evaluated 2026-01-12.

Conditions:
Cardiovascular phenotype. Identifiers: MedGen CN230736.
Cardiomyopathy (CMYO). Also called: Cardiomyopathies. Identifiers: Orphanet 167848, MedGen C0878544, MONDO:0004994, HP:0001638. Inheritance: Various modes of inheritance.
Dilated cardiomyopathy 1W (CMD1W). Identifiers: Orphanet 154, MedGen C1969639, MONDO:0012667, OMIM 611407.

Allele frequency attached by ClinVar (database versions not stated): gnomAD 0.00012; gnomAD exomes 0.00014 and 0.00025; TOPMed 0.00018; ExAC 0.00021; ESP Exome Variant Server 0.00023.
gnomAD v4.1: 234 of 1,613,844 alleles (0.014%); highest among the groups gnomAD compares: South Asian, 0.022%; no homozygotes.

Submissions (7):

Labcorp Genetics (formerly Invitae), Labcorp
Classification: Benign for Dilated cardiomyopathy 1W. Last evaluated: 2026-01-12. Review status: criteria provided, single submitter. Criteria: Invitae Variant Classification Sherloc (09022015). Collection method: clinical testing. Allele origin: germline.

Blueprint Genetics
Classification: Likely benign. Last evaluated: 2024-07-31. Review status: criteria provided, single submitter. Criteria: ACMG Guidelines, 2015. Collection method: clinical testing. Allele origin: germline.

GeneDx
Classification: Likely benign. Last evaluated: 2021-04-26. Review status: criteria provided, single submitter. Criteria: GeneDx Variant Classification Process June 2021. Collection method: clinical testing. Allele origin: germline. Affected: yes.
Comment: This variant is associated with the following publications: (PMID: 24503780)

Ambry Genetics
Classification: Likely benign for Cardiovascular phenotype. Last evaluated: 2018-03-13. Review status: criteria provided, single submitter. Criteria: Ambry Variant Classification Scheme 2023. Collection method: clinical testing. Allele origin: germline.

Illumina Laboratory Services, Illumina
Classification: Uncertain significance for Dilated cardiomyopathy 1W. Last evaluated: 2018-01-12. Review status: criteria provided, single submitter. Criteria: ICSL Variant Classification Criteria 13 December 2019. Collection method: clinical testing. Allele origin: germline.

CHEO Genetics Diagnostic Laboratory, Children's Hospital of Eastern Ontario
Classification: Benign for Cardiomyopathy. Last evaluated: 2017-11-03. Review status: criteria provided, single submitter. Criteria: ACMG Guidelines, 2015. Collection method: clinical testing. Allele origin: germline.

Laboratory for Molecular Medicine, Mass General Brigham Personalized Medicine
Classification: Likely benign. Last evaluated: 2009-06-04. Review status: criteria provided, single submitter. Criteria: LMM Criteria. Collection method: clinical testing. Allele origin: germline. Observed: 1 variant allele.

NM_014000.3(VCL):c.378C>T (p.Phe126=)

Gene: VCL (vinculin; plus strand). Cytogenetic location: 10q22.2.
Variant type: single nucleotide variant.
Coding change: c.378C>T on transcript NM_014000.3 (MANE Select); coding-DNA position 378, C replaced by T.
Protein change: p.Phe126=; no amino-acid change (phenylalanine 126 retained).
Molecular consequence: synonymous variant.
Genome position (GRCh38, 1-based): chr10:74,070,808, C>T. VCF-style: chr10-74070808-C-T. GRCh37 (hg19) VCF-style: chr10-75830566-C-T.
Other names: c.378C>T, p.Phe126= (NM_003373.4).
Identifiers: ClinVar variation 45613 (VCV000045613.24), dbSNP rs148966602, ClinGen allele CA136792.
Genomic context (GRCh38, chr10:74,070,808, plus strand): 5'-TTATCTAATTGATGGGTCAAGGGGCATCCTCTCTGGAACATCAGACCTGCTCCTTACCTT[C>T]GATGAGGCTGAGGTAGGCAATCTGAGACAAAAAGCCTACTCTTGAAGATAATAATGGAAG-3'
Protein context (NP_054706.1, residues 116-136): LSGTSDLLLT[Phe126=]DEAEVRKIIR